The following is an entry in ClinVar:

ClinVar aggregate classification (germline): Uncertain significance (1 of 4 stars; one submission).

gnomAD v4.1: 1 of 1,613,904 alleles (0.000062%); no homozygotes.

Submission:

Labcorp Genetics (formerly Invitae), Labcorp
Classification: Uncertain significance. Last evaluated: 2022-08-17. Review status: criteria provided, single submitter. Criteria: Invitae Variant Classification Sherloc (09022015). Collection method: clinical testing. Allele origin: germline.
Comment: This sequence change replaces leucine, which is neutral and non-polar, with valine, which is neutral and non-polar, at codon 216 of the LRP5 protein (p.Leu216Val). This variant is not present in population databases (gnomAD no frequency). This variant has not been reported in the literature in individuals affected with LRP5-related conditions. Advanced modeling of protein sequence and biophysical properties (such as structural, functional, and spatial information, amino acid conservation, physicochemical variation, residue mobility, and thermodynamic stability) performed at Invitae indicates that this missense variant is not expected to disrupt LRP5 protein function. In summary, the available evidence is currently insufficient to determine the role of this variant in disease. Therefore, it has been classified as a Variant of Uncertain Significance.

NM_002335.4(LRP5):c.646C>G (p.Leu216Val)

Gene: LRP5 (LDL receptor related protein 5; plus strand). Cytogenetic location: 11q13.2.
Variant type: single nucleotide variant.
Coding change: c.646C>G on transcript NM_002335.4 (MANE Select); coding-DNA position 646, C replaced by G.
Protein change: p.Leu216Val; replaces leucine 216 with valine.
Molecular consequence: missense variant. On other transcripts: 5 prime UTR variant (1).
Genome position (GRCh38, 1-based): chr11:68,357,807, C>G. VCF-style: chr11-68357807-C-G. GRCh37 (hg19) VCF-style: chr11-68125275-C-G.
Other names: c.-1120C>G (NM_001291902.2); short protein forms L216V.
Identifiers: ClinVar variation 2132004 (VCV002132004.4), dbSNP rs2098624424, ClinGen allele CA381611970.